The following is an entry in ClinVar:

ClinVar aggregate classification (germline): Benign/Likely benign. Review status: criteria provided, multiple submitters, no conflicts (2 of 4 stars). 3 submissions from 3 submitters: Benign (1); Likely benign (2). Last evaluated 2024-09-25.

Conditions:
Juvenile polyposis syndrome (JPS). Identifiers: Orphanet 2929, MedGen C0345893, MONDO:0017380, OMIM 174900.
Hereditary cancer-predisposing syndrome. Also called: Hereditary Cancer Syndrome; Hereditary neoplastic syndrome; Neoplastic Syndromes, Hereditary; Tumor predisposition. Identifiers: Orphanet 140162, MedGen C0027672, MeSH D009386, MONDO:0015356.

Allele frequency attached by ClinVar (database versions not stated): gnomAD exomes below 0.00001.
gnomAD v4.1: 5 of 1,613,352 alleles (0.00031%); highest among the groups gnomAD compares: Non-Finnish European, 0.00034%; no homozygotes.

Submissions (3):

Myriad Genetics, Inc.
Classification: Benign for Juvenile polyposis syndrome. Last evaluated: 2024-09-25. Review status: criteria provided, single submitter. Criteria: Myriad Autosomal Dominant, Autosomal Recessive and X-Linked Classification Criteria (2023). Collection method: clinical testing. Allele origin: unknown.
Comment: This variant is considered benign. This variant occurs in the non-coding 3' untranslated region of the gene, and is not expected to impact protein function.

All of Us Research Program, National Institutes of Health
Classification: Likely benign for Juvenile polyposis syndrome. Last evaluated: 2023-05-16. Review status: criteria provided, single submitter. Criteria: ACMG Guidelines, 2015. Collection method: clinical testing. Allele origin: germline. Inheritance: Autosomal dominant inheritance. Observed: 1 variant allele, 1 heterozygote.
Comment: This study involves interpretation of variants in research participants for the purpose of population health screening. Participant phenotype was not available at the time of variant classification. Additional details can be found in publication PMID: 35346344, PMCID: PMC8962531

Color Diagnostics, LLC DBA Color Health
Classification: Likely benign for Hereditary cancer-predisposing syndrome. Last evaluated: 2023-04-26. Review status: criteria provided, single submitter. Criteria: ACMG Guidelines, 2015. Collection method: clinical testing. Allele origin: germline.

NM_004329.3(BMPR1A):c.*1T>C

Gene: BMPR1A (bone morphogenetic protein receptor type 1A; plus strand). Cytogenetic location: 10q23.2.
Variant type: single nucleotide variant.
Coding change: c.*1T>C on transcript NM_004329.3 (MANE Select); 1 bases downstream of the stop codon, T replaced by C.
Molecular consequence: 3 prime UTR variant.
Genome position (GRCh38, 1-based): chr10:86,923,720, T>C. VCF-style: chr10-86923720-T-C. GRCh37 (hg19) VCF-style: chr10-88683477-T-C.
Identifiers: ClinVar variation 925636 (VCV000925636.6), dbSNP rs1843704052, ClinGen allele CA913188320.
Genomic context (GRCh38, chr10:86,923,720, plus strand): 5'-GCATTGAGAATTAAGAAGACGCTTGCCAAGATGGTTGAATCCCAAGATGTAAAAATCTGA[T>C]GGTTAAACCATCGGAGGAGAAACTCTAGACTGCAAGAACTGTTTTTACCCATGGCATGGG-3'